The following is an entry in ClinVar:

NM_001556.3(IKBKB):c.613T>C (p.Tyr205His)

Gene: IKBKB (inhibitor of nuclear factor kappa B kinase subunit beta; plus strand). Cytogenetic location: 8p11.21.
Variant type: single nucleotide variant.
Coding change: c.613T>C on transcript NM_001556.3 (MANE Select); coding-DNA position 613, T replaced by C.
Protein change: p.Tyr205His; replaces tyrosine 205 with histidine.
Molecular consequence: missense variant. On other transcripts: non-coding transcript variant (3).
Genome position (GRCh38, 1-based): chr8:42,308,946, T>C. VCF-style: chr8-42308946-T-C. GRCh37 (hg19) VCF-style: chr8-42166464-T-C.
Other names: c.421T>C, p.Tyr141His (NM_001190720.3); c.436T>C, p.Tyr146His (NM_001242778.2); c.613T>C (NM_001556.2); short protein forms Y205H, Y141H, Y146H.
Identifiers: ClinVar variation 1409062 (VCV001409062.5), dbSNP rs147591709, ClinGen allele CA4731735.

ClinVar aggregate classification (germline): Uncertain significance. Review status: criteria provided, multiple submitters, no conflicts (2 of 4 stars). 2 submissions from 2 submitters: Uncertain significance (2). Last evaluated 2024-08-12.

Conditions:
Inborn genetic diseases. Identifiers: MedGen C0950123, MeSH D030342.
Severe combined immunodeficiency due to IKK2 deficiency. Also called: Immunodeficiency 15; IMMUNODEFICIENCY 15B. Identifiers: Orphanet 397787, MedGen C4747743, MONDO:0014267, OMIM 615592.

Allele frequency attached by ClinVar (database versions not stated): gnomAD exomes 0.00002 and 0.00007; gnomAD 0.00003; TOPMed 0.00003; ExAC 0.00004; ESP Exome Variant Server 0.00023.
gnomAD v4.1: 118 of 1,614,074 alleles (0.0073%); highest among the groups gnomAD compares: Non-Finnish European, 0.0092%; no homozygotes.

Submissions (2):

Labcorp Genetics (formerly Invitae), Labcorp
Classification: Uncertain significance for Severe combined immunodeficiency due to IKK2 deficiency. Last evaluated: 2024-08-12. Review status: criteria provided, single submitter. Criteria: Invitae Variant Classification Sherloc (09022015). Collection method: clinical testing. Allele origin: germline.
Comment: This sequence change replaces tyrosine, which is neutral and polar, with histidine, which is basic and polar, at codon 205 of the IKBKB protein (p.Tyr205His). This variant is present in population databases (rs147591709, gnomAD 0.005%). This variant has not been reported in the literature in individuals affected with IKBKB-related conditions. ClinVar contains an entry for this variant (Variation ID: 1409062). Advanced modeling of protein sequence and biophysical properties (such as structural, functional, and spatial information, amino acid conservation, physicochemical variation, residue mobility, and thermodynamic stability) performed at Invitae indicates that this missense variant is not expected to disrupt IKBKB protein function with a negative predictive value of 95%. In summary, the available evidence is currently insufficient to determine the role of this variant in disease. Therefore, it has been classified as a Variant of Uncertain Significance.

Ambry Genetics
Classification: Uncertain significance for Inborn genetic diseases. Last evaluated: 2023-09-20. Review status: criteria provided, single submitter. Criteria: Ambry Variant Classification Scheme 2023. Collection method: clinical testing. Allele origin: germline.